The following is an entry in ClinVar:

ClinVar aggregate classification (germline): Likely pathogenic (1 of 4 stars; one submission).

Conditions:
Metaphyseal chondrodysplasia, McKusick type (CHH). Also called: Cartilage-hair hypoplasia; Cartilage-Hair Hypoplasia (CHH). Identifiers: Orphanet 175, MedGen C0220748, MONDO:0009595, OMIM 250250.

Submission:

Women's Health and Genetics/Laboratory Corporation of America, LabCorp
Classification: Likely pathogenic for Metaphyseal chondrodysplasia, McKusick type. Last evaluated: 2023-04-19. Review status: criteria provided, single submitter. Criteria: LabCorp Variant Classification Summary - May 2015. Collection method: clinical testing. Allele origin: germline.
Comment: Variant summary: RMRP n.-19_-18ins17 (also known as legacy name n.-20_-19insTCTGTGAAGCTGGGGAC) involves the insertion of 17 nucleotides in the promoter region of RMRP, which is located between the TATA box (-33 to -25) and the transcription initiation site. Other insertions or duplications in the promoter region of RMRP have been classified as pathogenic (internally and in ClinVar). The variant was absent in 128052 control chromosomes (gnomAD). n.-19_-18ins17 has been reported in the literature in at least one individual affected with Cartilage-Hair Hypoplasia (e.g. Nakashima_2003, Hirose_2006). To our knowledge, no experimental evidence demonstrating an impact on RNA function has been reported. However, several other insertions and duplications in the promoter region of RMRP have been reported in affected individuals in the literature (e.g. PMIDs: 21956908, 21396580) and have been demonstrated through functional studies to lead to reduced RMRP transcription (e.g. PMIDs: 11207361, 16254002, 17937437). No other clinical diagnostic laboratories have submitted clinical-significance assessments for this variant to ClinVar after 2014. Based on the evidence outlined above, the variant was classified as likely pathogenic.

Literature cited by the submitters: PubMed 14608646; PubMed 16832578.

NC_000009.12:g.35658036_35658037insGTCCCCAGCTTCACAGA

Gene: RMRP (RNA component of mitochondrial RNA processing endoribonuclease; minus strand). Cytogenetic location: 9p13.3.
Variant type: Insertion.
Genome position: GRCh38 VCF-style: chr9-35658036-G-GGTCCCCAGCTTCACAGA. GRCh37 (hg19) VCF-style: chr9-35658033-G-GGTCCCCAGCTTCACAGA.
Identifiers: ClinVar variation 918170 (VCV000918170.2), dbSNP rs1823648167, ClinGen allele CA1139660940.
Genomic context (GRCh38, chr9:35,658,036, plus strand): 5'-GTCCTCAGTGTGTAGCCTAGGATACAGGCCTTCAGCACGAACCACGTCCTCAGCTTCACA[G>GGTCCCCAGCTTCACAGA]AGTAGTATTTTATAGCCCTAAAGAAATTGTGTTTTATGATTAGGGTGAGAAAGTTGGTGG-3'